The following is an entry in ClinVar:

NM_032043.3(BRIP1):c.129G>T (p.Leu43Phe)

Gene: BRIP1 (BRCA1 interacting DNA helicase 1; minus strand). Cytogenetic location: 17q23.2.
Variant type: single nucleotide variant.
Coding change: c.129G>T on transcript NM_032043.3 (MANE Select); coding-DNA position 129, G replaced by T.
Protein change: p.Leu43Phe; replaces leucine 43 with phenylalanine.
Molecular consequence: missense variant.
Genome position (GRCh38, 1-based): chr17:61,859,872, C>A on the plus strand (G>T on the coding strand, the complement: BRIP1 is on the minus strand). VCF-style: chr17-61859872-C-A. GRCh37 (hg19) VCF-style: chr17-59937233-C-A.
Other names: c.129G>T (NM_032043.2); short protein forms L43F.
Identifiers: ClinVar variation 1383421 (VCV001383421.8), dbSNP rs2145852056, ClinGen allele CA400485806.

ClinVar aggregate classification (germline): Uncertain significance. Review status: criteria provided, multiple submitters, no conflicts (2 of 4 stars). 2 submissions from 2 submitters: Uncertain significance (2). Last evaluated 2024-11-28.

Conditions:
Hereditary cancer-predisposing syndrome. Also called: Tumor predisposition; Hereditary neoplastic syndrome; Neoplastic Syndromes, Hereditary; Hereditary Cancer Syndrome. Identifiers: Orphanet 140162, MedGen C0027672, MeSH D009386, MONDO:0015356.
Familial cancer of breast. Also called: BREAST CANCER, FAMILIAL; Hereditary breast cancer; hereditary breast carcinoma. Identifiers: Orphanet 227535, MedGen C0346153, MONDO:0016419, OMIM 114480. Disease mechanism: loss of function.
Fanconi anemia complementation group J. Also called: BRIP1-Related Fanconi Anemia. Identifiers: Orphanet 84, MedGen C1836860, MONDO:0012187, OMIM 609054.

Submissions (2):

Ambry Genetics
Classification: Uncertain significance for Hereditary cancer-predisposing syndrome. Last evaluated: 2024-11-28. Review status: criteria provided, single submitter. Criteria: Ambry Variant Classification Scheme 2023. Collection method: clinical testing. Allele origin: germline.
Comment: The p.L43F variant (also known as c.129G>T), located in coding exon 2 of the BRIP1 gene, results from a G to T substitution at nucleotide position 129. The leucine at codon 43 is replaced by phenylalanine, an amino acid with highly similar properties. This amino acid position is conserved. In addition, the in silico prediction for this alteration is inconclusive. Based on the available evidence, the clinical significance of this variant remains unclear.

Labcorp Genetics (formerly Invitae), Labcorp
Classification: Uncertain significance for Familial cancer of breast; Fanconi anemia complementation group J. Last evaluated: 2021-09-26. Review status: criteria provided, single submitter. Criteria: Invitae Variant Classification Sherloc (09022015). Collection method: clinical testing. Allele origin: germline.
Comment: In summary, the available evidence is currently insufficient to determine the role of this variant in disease. Therefore, it has been classified as a Variant of Uncertain Significance. Algorithms developed to predict the effect of missense changes on protein structure and function are either unavailable or do not agree on the potential impact of this missense change (SIFT: "Deleterious"; PolyPhen-2: "Probably Damaging"; Align-GVGD: "Class C0"). This variant has not been reported in the literature in individuals affected with BRIP1-related conditions. This variant is not present in population databases (ExAC no frequency). This sequence change replaces leucine with phenylalanine at codon 43 of the BRIP1 protein (p.Leu43Phe). The leucine residue is highly conserved and there is a small physicochemical difference between leucine and phenylalanine.